The following is an entry in ClinVar:

NM_005428.4(VAV1):c.895G>A (p.Ala299Thr)

Gene: VAV1 (vav guanine nucleotide exchange factor 1; plus strand). Cytogenetic location: 19p13.3.
Variant type: single nucleotide variant.
Coding change: c.895G>A on transcript NM_005428.4 (MANE Select); coding-DNA position 895, G replaced by A.
Protein change: p.Ala299Thr; replaces alanine 299 with threonine.
Molecular consequence: missense variant.
Genome position (GRCh38, 1-based): chr19:6,826,679, G>A. VCF-style: chr19-6826679-G-A. GRCh37 (hg19) VCF-style: chr19-6826690-G-A.
Other names: c.895G>A, p.Ala299Thr (NM_001258206.2); c.799G>A, p.Ala267Thr (NM_001258207.2); short protein forms A267T, A299T.
Identifiers: ClinVar variation 2471583 (VCV002471583.4), dbSNP rs865782015, ClinGen allele CA304807919.

ClinVar aggregate classification (germline): Conflicting classifications of pathogenicity. Review status: criteria provided, conflicting classifications (1 of 4 stars). 2 submissions from 2 submitters: Uncertain significance (1); Likely benign (1). Last evaluated 2025-03-05.

Allele frequency attached by ClinVar (database versions not stated): gnomAD exomes below 0.00001.
gnomAD v4.1: 6 of 1,558,938 alleles (0.00038%); highest among the groups gnomAD compares: Admixed American, 0.0019%; no homozygotes.

Submissions (2):

Labcorp Genetics (formerly Invitae), Labcorp
Classification: Uncertain significance. Last evaluated: 2025-03-05. Review status: criteria provided, single submitter. Criteria: Invitae Variant Classification Sherloc (09022015). Collection method: clinical testing. Allele origin: germline.
Comment: This sequence change replaces alanine, which is neutral and non-polar, with threonine, which is neutral and polar, at codon 299 of the VAV1 protein (p.Ala299Thr). The frequency data for this variant in the population databases is considered unreliable, as metrics indicate poor data quality at this position in the gnomAD database. This variant has not been reported in the literature in individuals affected with VAV1-related conditions. ClinVar contains an entry for this variant (Variation ID: 2471583). An algorithm developed to predict the effect of missense changes on protein structure and function outputs the following: PolyPhen-2: "Benign". The threonine amino acid residue is found in multiple mammalian species, which suggests that this missense change does not adversely affect protein function. In summary, the available evidence is currently insufficient to determine the role of this variant in disease. Therefore, it has been classified as a Variant of Uncertain Significance.

Ambry Genetics
Classification: Likely benign. Last evaluated: 2023-01-26. Review status: criteria provided, single submitter. Criteria: Ambry Variant Classification Scheme 2023. Collection method: clinical testing. Allele origin: germline.